The following is an entry in ClinVar:

NM_004187.5(KDM5C):c.4423G>C (p.Glu1475Gln)

Gene: KDM5C (lysine demethylase 5C; minus strand). Cytogenetic location: Xp11.22.
Variant type: single nucleotide variant.
Coding change: c.4423G>C on transcript NM_004187.5 (MANE Select); coding-DNA position 4423, G replaced by C.
Protein change: p.Glu1475Gln; replaces glutamic acid 1475 with glutamine.
Molecular consequence: missense variant. On other transcripts: intron variant (5).
Genome position (GRCh38, 1-based): chrX:53,193,227, C>G on the plus strand (G>C on the coding strand, the complement: KDM5C is on the minus strand). VCF-style: chrX-53193227-C-G. GRCh37 (hg19) VCF-style: chrX-53222409-C-G.
Other names: c.4420G>C, p.Glu1474Gln (NM_001282622.3); c.4414G>C, p.Glu1472Gln (NM_001353978.3); c.4305+210G>C (NM_001353982.2); c.4314+210G>C (NM_001353979.2); c.4308+210G>C (NM_001353981.2, NM_001353984.2); c.4046+271G>C (NM_001146702.2); short protein forms E1475Q, E1474Q, E1472Q.
Identifiers: ClinVar variation 450019 (VCV000450019.2), dbSNP rs1556832469, ClinGen allele CA413104671.

ClinVar aggregate classification (germline): Uncertain significance (1 of 4 stars; one submission).

Submission:

GeneDx
Classification: Uncertain significance. Last evaluated: 2017-06-26. Review status: criteria provided, single submitter. Criteria: GeneDx Variant Classification (06012015). Collection method: clinical testing. Allele origin: germline. Affected: yes.
Comment: The E1475Q variant in the KDM5C gene has not been reported previously as a pathogenic variant, nor as a benign variant, to our knowledge. This variant is not observed in large population cohorts (Lek et al., 2016; 1000 Genomes Consortium et al., 2015; Exome Variant Server). The E1475Q variant is a semi-conservative amino acid substitution, which may impact secondary protein structure as these residues differ in some properties. In addition, this substitution occurs at a position that is conserved across mammalian species. However, in silico analysis is inconsistent in its predictions as to whether or not the variant is damaging to the protein structure/function. We interpret E1475Q as a variant of uncertain significance.